The following is an entry in ClinVar:

NM_012280.4(FTSJ1):c.283-12CT[2]

Gene: FTSJ1 (FtsJ RNA 2'-O-methyltransferase 1; plus strand). Cytogenetic location: Xp11.23.
Variant type: Microsatellite.
Coding change: c.283-12CT[2] on transcript NM_012280.4 (MANE Select); two copies in a row of the 2-base unit CT starting at c.283-12.
Molecular consequence: intron variant.
Genome position: GRCh38 VCF-style: chrX-48479025-CCT-C. GRCh37 (hg19) VCF-style: chrX-48337413-CCT-C.
Other names: c.283-12CT[2] (NM_001441195.1, NM_177439.3, NM_001441196.1 and 4 more transcripts); c.-76-12CT[2] (NM_001282157.2); c.283-7_283-6del (NM_012280.4).
Identifiers: ClinVar variation 3359023 (VCV003359023.2).

ClinVar aggregate classification (germline): Uncertain significance (1 of 4 stars; one submission).

Conditions:
Intellectual developmental disorder, X-linked 9. Also called: MENTAL RETARDATION, X-LINKED 44; Intellectual disability, X-linked 9. Identifiers: Orphanet 777, MedGen C0796215, MONDO:0010660, OMIM 309549.

Submission:

Institute of Human Genetics, University of Leipzig Medical Center
Classification: Uncertain significance for Intellectual developmental disorder, X-linked 9. Last evaluated: 2024-07-30. Review status: criteria provided, single submitter. Criteria: ACMG Guidelines, 2015. Collection method: clinical testing. Allele origin: unknown. Inheritance: X-linked recessive inheritance. Affected: yes.
Comment: Criteria applied: PM2,PP3